The following is an entry in ClinVar:

NM_024529.5(CDC73):c.1421A>G (p.Lys474Arg)

Gene: CDC73 (cell division cycle 73; plus strand). Cytogenetic location: 1q31.2.
Variant type: single nucleotide variant.
Coding change: c.1421A>G on transcript NM_024529.5 (MANE Select); coding-DNA position 1421, A replaced by G.
Protein change: p.Lys474Arg; replaces lysine 474 with arginine.
Molecular consequence: missense variant.
Genome position (GRCh38, 1-based): chr1:193,249,733, A>G. VCF-style: chr1-193249733-A-G. GRCh37 (hg19) VCF-style: chr1-193218863-A-G.
Other names: c.1421A>G (NM_024529.4); short protein forms K474R.
Identifiers: ClinVar variation 1035493 (VCV001035493.13), dbSNP rs1678015324, ClinGen allele CA344078340.

ClinVar aggregate classification (germline): Uncertain significance. Review status: criteria provided, multiple submitters, no conflicts (2 of 4 stars). 3 submissions from 3 submitters: Uncertain significance (3). Last evaluated 2023-08-25.

Conditions:
Parathyroid carcinoma (PRTC). Also called: CDC73-Related Parathyroid Carcinoma; Parathyroid gland carcinoma. Identifiers: Orphanet 143, MedGen C0687150, MONDO:0012004, OMIM 608266, HP:0006780.
Hereditary cancer-predisposing syndrome. Also called: Neoplastic Syndromes, Hereditary; Hereditary Cancer Syndrome; Tumor predisposition; Hereditary neoplastic syndrome. Identifiers: Orphanet 140162, MedGen C0027672, MeSH D009386, MONDO:0015356.
Hyperparathyroidism 2 with jaw tumors. Also called: Hyperparathyroidism 2; HYPERPARATHYROIDISM, FAMILIAL PRIMARY, WITH MULTIPLE OSSIFYING JAW FIBROMAS; HYPERPARATHYROIDISM-JAW TUMOR SYNDROME, HEREDITARY; Hyperparathyroidism-Jaw Tumor Syndrome. Identifiers: Orphanet 99880, MedGen C1704981, MONDO:0007768, OMIM 145001.
Hyperparathyroidism 1 (HRPT1). Also called: HYPERPARATHYROIDISM, FAMILIAL ISOLATED PRIMARY. Identifiers: Orphanet 99879, MedGen C1840402, MONDO:0007767, OMIM 145000.

Allele frequency attached by ClinVar (database versions not stated): gnomAD 0.00001.
gnomAD v4.1: 1 of 1,608,000 alleles (0.000062%); highest among the groups gnomAD compares: Non-Finnish European, 0.000085%; no homozygotes.

Submissions (3):

Ambry Genetics
Classification: Uncertain significance for Hereditary cancer-predisposing syndrome. Last evaluated: 2023-08-25. Review status: criteria provided, single submitter. Criteria: Ambry Variant Classification Scheme 2023. Collection method: clinical testing. Allele origin: germline.
Comment: The p.K474R variant (also known as c.1421A>G), located in coding exon 16 of the CDC73 gene, results from an A to G substitution at nucleotide position 1421. The lysine at codon 474 is replaced by arginine, an amino acid with highly similar properties. This amino acid position is conserved. In addition, this alteration is predicted to be tolerated by in silico analysis. Since supporting evidence is limited at this time, the clinical significance of this alteration remains unclear.

Labcorp Genetics (formerly Invitae), Labcorp
Classification: Uncertain significance for Parathyroid carcinoma. Last evaluated: 2022-03-07. Review status: criteria provided, single submitter. Criteria: Invitae Variant Classification Sherloc (09022015). Collection method: clinical testing. Allele origin: germline.
Comment: In summary, the available evidence is currently insufficient to determine the role of this variant in disease. Therefore, it has been classified as a Variant of Uncertain Significance. Algorithms developed to predict the effect of sequence changes on RNA splicing suggest that this variant may create or strengthen a splice site. Algorithms developed to predict the effect of missense changes on protein structure and function (SIFT, PolyPhen-2, Align-GVGD) all suggest that this variant is likely to be tolerated. ClinVar contains an entry for this variant (Variation ID: 1035493). This variant has not been reported in the literature in individuals affected with CDC73-related conditions. This variant is not present in population databases (gnomAD no frequency). This sequence change replaces lysine, which is basic and polar, with arginine, which is basic and polar, at codon 474 of the CDC73 protein (p.Lys474Arg).

Fulgent Genetics
Classification: Uncertain significance for Hyperparathyroidism 1; Hyperparathyroidism 2 with jaw tumors; Parathyroid carcinoma. Last evaluated: 2021-11-03. Review status: criteria provided, single submitter. Criteria: ACMG Guidelines, 2015. Collection method: clinical testing. Allele origin: unknown.